The following is an entry in ClinVar:

NM_003242.6(TGFBR2):c.81C>G (p.His27Gln)

Gene: TGFBR2 (transforming growth factor beta receptor 2; plus strand). Cytogenetic location: 3p24.1.
Variant type: single nucleotide variant.
Coding change: c.81C>G on transcript NM_003242.6 (MANE Select); coding-DNA position 81, C replaced by G.
Protein change: p.His27Gln; replaces histidine 27 with glutamine.
Molecular consequence: missense variant. On other transcripts: 5 prime UTR variant (4), intron variant (2).
Genome position (GRCh38, 1-based): chr3:30,606,964, C>G. VCF-style: chr3-30606964-C-G. GRCh37 (hg19) VCF-style: chr3-30648456-C-G.
Other names: c.81C>G, p.His27Gln (NM_001024847.3, NM_001407126.1, NM_001407127.1 and 4 more transcripts); c.-203C>G (NM_001407133.1); c.-81C>G (NM_001407134.1); c.-128C>G (NM_001407135.1); c.-213C>G (NM_001407136.1); c.-12+371C>G (NM_001407129.1, NM_001407132.1); short protein forms H27Q.
Identifiers: ClinVar variation 3073994 (VCV003073994.1), dbSNP rs1057520957, ClinGen allele CA351830617.
Genomic context (GRCh38, chr3:30,606,964, plus strand): 5'-GGGCCTGTGGCCGCTGCACATCGTCCTGTGGACGCGTATCGCCAGCACGATCCCACCGCA[C>G]GTTCAGAAGTCGGGTGAGTGGTCCCCAGCCCGGGCTCGGCGGGGCGCCGGGGGTCTTCCT-3'
Protein context (NP_003233.4, residues 17-37): WTRIASTIPP[His27Gln]VQKSVNNDMI

ClinVar aggregate classification (germline): Uncertain significance (1 of 4 stars; one submission).

Conditions:
Loeys-Dietz syndrome 2 (LDS2). Also called: TGFBR2-Related Loeys-Dietz Syndrome; AORTIC ANEURYSM, FAMILIAL THORACIC 3; MARFAN SYNDROME, TYPE II; Marfan syndrome, type 2 (formerly); Marfan Syndrome type 2; Marfan like connective tissue disorder. Identifiers: Orphanet 284973, Orphanet 558, MedGen C2674574, MONDO:0012427, OMIM 610168.

Submission:

All of Us Research Program, National Institutes of Health
Classification: Uncertain significance for Loeys-Dietz syndrome 2. Last evaluated: 2023-11-30. Review status: criteria provided, single submitter. Criteria: ACMG Guidelines, 2015. Collection method: clinical testing. Allele origin: germline. Inheritance: Autosomal dominant inheritance. Observed: 1 variant allele, 1 heterozygote.
Comment: This study involves interpretation of variants in research participants for the purpose of population health screening. Participant phenotype was not available at the time of variant classification. Additional details can be found in publication PMID: 35346344, PMCID: PMC8962531